The following is an entry in ClinVar:

ClinVar aggregate classification (germline): Likely benign (1 of 4 stars; one submission).

gnomAD v4.1: 21 of 1,201,652 alleles (0.0017%); highest among the groups gnomAD compares: Admixed American, 0.033%; no homozygotes.

Submission:

CeGaT Center for Human Genetics Tuebingen
Classification: Likely benign. Last evaluated: 2025-01-01. Review status: criteria provided, single submitter. Criteria: CeGaT Center For Human Genetics Tuebingen Variant Classification Criteria Version 2. Collection method: clinical testing. Allele origin: germline. Affected: yes. Observed: 1 variant allele.
Comment: IQSEC2: BP4, BS2

NM_001243197.2(IQSEC2):c.86T>G (p.Met29Arg)

Gene: IQSEC2 (IQ motif and Sec7 domain ArfGEF 2; minus strand). Cytogenetic location: Xp11.22.
Variant type: single nucleotide variant.
Coding change: c.86T>G on transcript NM_001243197.2 (MANE Plus Clinical); coding-DNA position 86, T replaced by G.
Protein change: p.Met29Arg; replaces methionine 29 with arginine.
Molecular consequence: missense variant. On other transcripts: intron variant (2).
Genome position (GRCh38, 1-based): chrX:53,279,600, A>C on the plus strand (T>G on the coding strand, the complement: IQSEC2 is on the minus strand). VCF-style: chrX-53279600-A-C. GRCh37 (hg19) VCF-style: chrX-53308782-A-C.
Other names: c.86T>G, p.Met29Arg (NM_015075.2); c.737+12295T>G (NM_001410736.1, NM_001111125.3); short protein forms M29R.
Identifiers: ClinVar variation 3771106 (VCV003771106.13).